The following is an entry in ClinVar:

NM_001792.5(CDH2):c.588T>G (p.Ser196Arg)

Gene: CDH2 (cadherin 2; minus strand). Cytogenetic location: 18q12.1.
Variant type: single nucleotide variant.
Coding change: c.588T>G on transcript NM_001792.5 (MANE Select); coding-DNA position 588, T replaced by G.
Protein change: p.Ser196Arg; replaces serine 196 with arginine.
Molecular consequence: missense variant.
Genome position (GRCh38, 1-based): chr18:28,009,831, A>C on the plus strand (T>G on the coding strand, the complement: CDH2 is on the minus strand). VCF-style: chr18-28009831-A-C. GRCh37 (hg19) VCF-style: chr18-25589795-A-C.
Other names: c.495T>G, p.Ser165Arg (NM_001308176.2); short protein forms S165R, S196R.
Identifiers: ClinVar variation 2743532 (VCV002743532.3), dbSNP rs2510814557, ClinGen allele CA402243625.

ClinVar aggregate classification (germline): Uncertain significance (1 of 4 stars; one submission).

Submission:

Labcorp Genetics (formerly Invitae), Labcorp
Classification: Uncertain significance. Last evaluated: 2023-07-16. Review status: criteria provided, single submitter. Criteria: Invitae Variant Classification Sherloc (09022015). Collection method: clinical testing. Allele origin: germline.
Comment: In summary, the available evidence is currently insufficient to determine the role of this variant in disease. Therefore, it has been classified as a Variant of Uncertain Significance. An algorithm developed to predict the effect of missense changes on protein structure and function (PolyPhen-2) suggests that this variant is likely to be disruptive. This variant has not been reported in the literature in individuals affected with CDH2-related conditions. This variant is not present in population databases (gnomAD no frequency). This sequence change replaces serine, which is neutral and polar, with arginine, which is basic and polar, at codon 196 of the CDH2 protein (p.Ser196Arg).